The following is an entry in ClinVar:

NM_016032.4(ZDHHC9):c.565C>T (p.Leu189Phe)

Gene: ZDHHC9 (zDHHC palmitoyltransferase 9; minus strand). Cytogenetic location: Xq26.1.
Variant type: single nucleotide variant.
Coding change: c.565C>T on transcript NM_016032.4 (MANE Select); coding-DNA position 565, C replaced by T.
Protein change: p.Leu189Phe; replaces leucine 189 with phenylalanine.
Molecular consequence: missense variant.
Genome position (GRCh38, 1-based): chrX:129,814,718, G>A on the plus strand (C>T on the coding strand, the complement: ZDHHC9 is on the minus strand). VCF-style: chrX-129814718-G-A. GRCh37 (hg19) VCF-style: chrX-128948694-G-A.
Other names: c.565C>T, p.Leu189Phe (NM_001008222.3); short protein forms L189F.
Identifiers: ClinVar variation 2633242 (VCV002633242.3), dbSNP rs772679685, ClinGen allele CA10513527.

ClinVar aggregate classification (germline): Uncertain significance. Review status: criteria provided, multiple submitters, no conflicts (2 of 4 stars). 2 submissions from 2 submitters: Uncertain significance (2). Last evaluated 2024-04-25.

Conditions:
ZDHHC9-related disorder. Also called: ZDHHC9-related condition.
Intellectual developmental disorder, X-linked, syndromic, Raymond type. Also called: Syndromic X-linked intellectual disability Raymond type. Identifiers: MedGen C3275406, MONDO:0010427, OMIM 300799.

Allele frequency attached by ClinVar (database versions not stated): gnomAD exomes below 0.00001; ExAC 0.00001; TOPMed 0.00001.
gnomAD v4.1: 5 of 1,211,039 alleles (0.00041%); highest among the groups gnomAD compares: Non-Finnish European, 0.00056%; no homozygotes.

Submissions (2):

Labcorp Genetics (formerly Invitae), Labcorp
Classification: Uncertain significance for Intellectual developmental disorder, X-linked, syndromic, Raymond type. Last evaluated: 2024-04-25. Review status: criteria provided, single submitter. Criteria: Invitae Variant Classification Sherloc (09022015). Collection method: clinical testing. Allele origin: germline.
Comment: This sequence change replaces leucine, which is neutral and non-polar, with phenylalanine, which is neutral and non-polar, at codon 189 of the ZDHHC9 protein (p.Leu189Phe). This variant is present in population databases (rs772679685, gnomAD 0.001%). This variant has not been reported in the literature in individuals affected with ZDHHC9-related conditions. ClinVar contains an entry for this variant (Variation ID: 2633242). Advanced modeling of protein sequence and biophysical properties (such as structural, functional, and spatial information, amino acid conservation, physicochemical variation, residue mobility, and thermodynamic stability) performed at Invitae indicates that this missense variant is not expected to disrupt ZDHHC9 protein function with a negative predictive value of 80%. In summary, the available evidence is currently insufficient to determine the role of this variant in disease. Therefore, it has been classified as a Variant of Uncertain Significance.

PreventionGenetics, part of Exact Sciences
Classification: Uncertain significance for ZDHHC9-related condition. Last evaluated: 2023-06-07. Review status: criteria provided, single submitter. Criteria: ACMG Guidelines, 2015. Collection method: clinical testing. Allele origin: germline.
Comment: The ZDHHC9 c.565C>T variant is predicted to result in the amino acid substitution p.Leu189Phe. To our knowledge, this variant has not been reported in the literature. This variant is reported in 0.0012% of alleles in individuals of European (Non-Finnish) descent in gnomAD. At this time, the clinical significance of this variant is uncertain due to the absence of conclusive functional and genetic evidence.